The following is an entry in ClinVar:

ClinVar aggregate classification (germline): Pathogenic. Review status: no assertion criteria provided (0 of 4 stars). 2 submissions from 2 submitters: Pathogenic (2). Last evaluated 2026-08-21.

Conditions:
Mucolipidosis type II. Also called: ML II ALPHA/BETA; Mucolipidosis 2; ML 2; Inclusion cell disease; Leroy Disease; N-acetylglucosamine 1phosphotransferase deficiency. Identifiers: Orphanet 576, MedGen C2673377, MONDO:0009650, OMIM 252500.

Submissions (2):

OMIM
Classification: Pathogenic for MUCOLIPIDOSIS II ALPHA/BETA. Last evaluated: 2026-08-21. Review status: no assertion criteria provided. Collection method: literature only. Allele origin: germline.

GeneReviews
Classification: Pathogenic for Mucolipidosis III Alpha/Beta. Last evaluated: 2012-05-10. Review status: no assertion criteria provided. Collection method: curation. Allele origin: unknown.
ClinVar note: Converted during submission from pathologic to Pathogenic.

Literature cited by the submitters: Paik, K. H., Song, S. M., Ki, C. S., Yu, H.-W., Kim, J. S., Min, K. H., Chang, S. H., Yoo, E. J., Lee, I. J., Kwan, E. K., Han, S. J., Jin, D.-K. Identification of mutations in the GNPTA (MGC4170) gene coding for GlcNAc-phosphotransferase alpha/beta subunits in Korean patients with mucolipidosis type II or type IIIA. Hum. Mutat. 26: 308-314, 2005. (cited by OMIM).

NM_024312.5(GNPTAB):c.3474_3475del (p.His1158fs)

Gene: GNPTAB (N-acetylglucosamine-1-phosphate transferase subunits alpha and beta; minus strand). Cytogenetic location: 12q23.2.
Variant type: Deletion.
Coding change: c.3474_3475del on transcript NM_024312.5 (MANE Select); coding-DNA positions 3474 to 3475, 2 bases deleted (TA; older notation c.3474_3475delTA).
Protein change: p.His1158fs; shifts the reading frame from histidine 1158.
Molecular consequence: frameshift variant.
Genome position (GRCh38, 1-based): chr12:101,753,499-101,753,500, TA deleted on the plus strand (TA on the coding strand, the reverse complement: GNPTAB is on the minus strand); deleting any 2 consecutive bases within chr12:101,753,499-101,753,501 gives the same sequence; the c. name uses the placement nearest the transcript's 3' end. VCF-style (leftmost placement, unchanged base first): chr12-101753498-TTA-T. GRCh37 (hg19) VCF-style: chr12-102147276-TTA-T.
Other names: AY687932:c.3474_3475delTA; short protein forms H1158fs.
Identifiers: ClinVar variation 2766 (VCV000002766.4), dbSNP rs281865038, ClinGen allele CA340013.